The following is an entry in ClinVar:

ClinVar aggregate classification (germline): Likely pathogenic (1 of 4 stars; one submission).

Conditions:
Bardet-Biedl syndrome (BBS). Identifiers: Orphanet 110, MedGen C0752166, MONDO:0015229.

Submission:

Labcorp Genetics (formerly Invitae), Labcorp
Classification: Likely pathogenic for Bardet-Biedl syndrome. Last evaluated: 2022-10-13. Review status: criteria provided, single submitter. Criteria: Invitae Variant Classification Sherloc (09022015). Collection method: clinical testing. Allele origin: germline.
Comment: In summary, the currently available evidence indicates that the variant is pathogenic, but additional data are needed to prove that conclusively. Therefore, this variant has been classified as Likely Pathogenic. Algorithms developed to predict the effect of sequence changes on RNA splicing suggest that this variant may disrupt the consensus splice site. ClinVar contains an entry for this variant (Variation ID: 966277). This variant has not been reported in the literature in individuals affected with BBS4-related conditions. This variant is not present in population databases (gnomAD no frequency). This sequence change affects an acceptor splice site in intron 5 of the BBS4 gene. It is expected to disrupt RNA splicing. Variants that disrupt the donor or acceptor splice site typically lead to a loss of protein function (PMID: 16199547), and loss-of-function variants in BBS4 are known to be pathogenic (PMID: 11381270, 12016587, 20177705, 27894351).

Literature cited by the submitters: PubMed 16199547; PubMed 11381270; PubMed 12016587; PubMed 20177705; PubMed 27894351.

NM_033028.5(BBS4):c.333-1G>C

Gene: BBS4 (Bardet-Biedl syndrome 4; plus strand). Cytogenetic location: 15q24.1.
Variant type: single nucleotide variant.
Coding change: c.333-1G>C on transcript NM_033028.5 (MANE Select); the canonical splice acceptor site of the intron before coding-DNA position 333, G replaced by C.
Molecular consequence: splice acceptor variant.
Genome position (GRCh38, 1-based): chr15:72,716,777, G>C. VCF-style: chr15-72716777-G-C. GRCh37 (hg19) VCF-style: chr15-73009118-G-C.
Other names: c.333-1G>C (NM_001320665.2); c.-189-1G>C (NM_001252678.2).
Identifiers: ClinVar variation 966277 (VCV000966277.8), dbSNP rs2065474809, ClinGen allele CA393076934.